The following is an entry in ClinVar:

NM_002890.3(RASA1):c.*476T>G

Genes: CCNH (cyclin H; minus strand), RASA1 (RAS p21 protein activator 1; plus strand). Cytogenetic location: 5q14.3.
Variant type: single nucleotide variant.
Coding change: c.*476T>G on transcript NM_002890.3 (MANE Select); 476 bases downstream of the stop codon, T replaced by G.
Molecular consequence: 3 prime UTR variant. On other transcripts: non-coding transcript variant (1), intron variant (1).
Genome position (GRCh38, 1-based): chr5:87,391,359, T>G. VCF-style: chr5-87391359-T-G. GRCh37 (hg19) VCF-style: chr5-86687176-T-G.
Other names: c.*476T>G (NM_022650.3); c.*1501A>C (NM_001363539.2, NM_001364076.2); c.933+3685A>C (NM_001364075.2).
Identifiers: ClinVar variation 354538 (VCV000354538.34), dbSNP rs543819845, ClinGen allele CA10625228.

ClinVar aggregate classification (germline): Conflicting classifications of pathogenicity. Review status: criteria provided, conflicting classifications (1 of 4 stars). 2 submissions from 2 submitters: Uncertain significance (1); Benign (1). Last evaluated 2023-05-01.

Conditions:
Capillary malformation-arteriovenous malformation 1 (CMAVM1). Identifiers: Orphanet 137667, Orphanet 693907, MedGen C4747394, MONDO:0020783, OMIM 608354.

Allele frequency attached by ClinVar (database versions not stated): 1000 Genomes Project 0.00040; gnomAD 0.00183 and 0.00176; gnomAD exomes 0.00206; TOPMed 0.00221; 1000 Genomes Project 30x 0.00062.
gnomAD v4.1: 524 of 273,418 alleles (0.19%); highest among the groups gnomAD compares: Admixed American, 0.42%; 4 homozygotes.

Submissions (2):

CeGaT Center for Human Genetics Tuebingen
Classification: Benign. Last evaluated: 2023-05-01. Review status: criteria provided, single submitter. Criteria: CeGaT Center For Human Genetics Tuebingen Variant Classification Criteria Version 2. Collection method: clinical testing. Allele origin: germline. Affected: yes. Observed: 2 variant alleles.
Comment: RASA1: BS1, BS2

Illumina Laboratory Services, Illumina
Classification: Uncertain significance for Capillary malformation-arteriovenous malformation 1. Last evaluated: 2018-01-13. Review status: criteria provided, single submitter. Criteria: ICSL Variant Classification Criteria 13 December 2019. Collection method: clinical testing. Allele origin: germline.